The following is an entry in ClinVar:

NM_018972.4(GDAP1):c.305T>C (p.Leu102Pro)

Gene: GDAP1 (ganglioside induced differentiation associated protein 1; plus strand). Cytogenetic location: 8q21.11.
Variant type: single nucleotide variant.
Coding change: c.305T>C on transcript NM_018972.4 (MANE Select); coding-DNA position 305, T replaced by C.
Protein change: p.Leu102Pro; replaces leucine 102 with proline.
Molecular consequence: missense variant. On other transcripts: intron variant (2).
Genome position (GRCh38, 1-based): chr8:74,351,461, T>C. VCF-style: chr8-74351461-T-C. GRCh37 (hg19) VCF-style: chr8-75263696-T-C.
Other names: c.101T>C, p.Leu34Pro (NM_001040875.4); c.305T>C, p.Leu102Pro (NM_001362930.2, NM_001362931.2); c.-18+140T>C (NM_001362929.2); c.-18+883T>C (NM_001362932.2); short protein forms L102P, L34P.
Identifiers: ClinVar variation 3656065 (VCV003656065.2).

ClinVar aggregate classification (germline): Uncertain significance (1 of 4 stars; one submission).

Conditions:
Charcot-Marie-Tooth disease type 4A. Also called: Charcot-Marie-Tooth disease, demyelinating, autosomal recessive, type 4a. Identifiers: Orphanet 99948, MedGen C1859198, MONDO:0008961, OMIM 214400.

gnomAD v4.1: 2 of 1,609,550 alleles (0.00012%); highest among the groups gnomAD compares: Non-Finnish European, 0.00017%; no homozygotes.

Submission:

Labcorp Genetics (formerly Invitae), Labcorp
Classification: Uncertain significance for Charcot-Marie-Tooth disease type 4A. Last evaluated: 2025-11-04. Review status: criteria provided, single submitter. Criteria: Invitae Variant Classification Sherloc (09022015). Collection method: clinical testing. Allele origin: germline.
Comment: This sequence change replaces leucine, which is neutral and non-polar, with proline, which is neutral and non-polar, at codon 102 of the GDAP1 protein (p.Leu102Pro). This variant is not present in population databases (gnomAD no frequency). This variant has not been reported in the literature in individuals affected with GDAP1-related conditions. ClinVar contains an entry for this variant (Variation ID: 3656065). Invitae Evidence Modeling of protein sequence and biophysical properties (such as structural, functional, and spatial information, amino acid conservation, physicochemical variation, residue mobility, and thermodynamic stability) indicates that this missense variant is not expected to disrupt GDAP1 protein function with a negative predictive value of 80%. In summary, the available evidence is currently insufficient to determine the role of this variant in disease. Therefore, it has been classified as a Variant of Uncertain Significance.